The following is an entry in ClinVar:

ClinVar aggregate classification (germline): Uncertain significance (1 of 4 stars; one submission).

Allele frequency attached by ClinVar (database versions not stated): gnomAD 0.00002; TOPMed 0.00002.

Submission:

Labcorp Genetics (formerly Invitae), Labcorp
Classification: Uncertain significance. Last evaluated: 2024-12-09. Review status: criteria provided, single submitter. Criteria: Invitae Variant Classification Sherloc (09022015). Collection method: clinical testing. Allele origin: germline.
Comment: This sequence change affects codon 1225 of the CAD mRNA. It is a 'silent' change, meaning that it does not change the encoded amino acid sequence of the CAD protein. This variant is present in population databases (no rsID available, gnomAD 0.004%). This variant has not been reported in the literature in individuals affected with CAD-related conditions. ClinVar contains an entry for this variant (Variation ID: 2043848). Algorithms developed to predict the effect of sequence changes on RNA splicing suggest that this variant may create or strengthen a splice site. In summary, the available evidence is currently insufficient to determine the role of this variant in disease. Therefore, it has been classified as a Variant of Uncertain Significance.

NM_004341.5(CAD):c.3675C>T (p.Phe1225=)

Gene: CAD (carbamoyl-phosphate synthetase 2, aspartate transcarbamylase, and dihydroorotase; plus strand). Cytogenetic location: 2p23.3.
Variant type: single nucleotide variant.
Coding change: c.3675C>T on transcript NM_004341.5 (MANE Select); coding-DNA position 3675, C replaced by T.
Protein change: p.Phe1225=; no amino-acid change (phenylalanine 1225 retained).
Molecular consequence: synonymous variant.
Genome position (GRCh38, 1-based): chr2:27,234,574, C>T. VCF-style: chr2-27234574-C-T. GRCh37 (hg19) VCF-style: chr2-27457442-C-T.
Other names: c.3486C>T, p.Phe1162= (NM_001306079.2).
Identifiers: ClinVar variation 2043848 (VCV002043848.2), dbSNP rs1045459324, ClinGen allele CA44509764.